The following is an entry in ClinVar:

ClinVar aggregate classification (germline): Uncertain significance. Review status: criteria provided, multiple submitters, no conflicts (2 of 4 stars). 3 submissions from 3 submitters: Uncertain significance (3). Last evaluated 2024-09-20.

Conditions:
Inborn genetic diseases. Identifiers: MedGen C0950123, MeSH D030342.
Muscular dystrophy-dystroglycanopathy (congenital with impaired intellectual development), type B, 1. Also called: Muscular dystrophy-dystroglycanopathy (congenital with intellectual disability), type B1; MUSCULAR DYSTROPHY, CONGENITAL, POMT1-RELATED. Identifiers: MedGen C5436962, MONDO:0013159, OMIM 613155.
Autosomal recessive limb-girdle muscular dystrophy type 2K. Also called: MUSCULAR DYSTROPHY-DYSTROGLYCANOPATHY (LIMB-GIRDLE), TYPE C, 1; MUSCULAR DYSTROPHY, LIMB-GIRDLE, TYPE 2K. Identifiers: Orphanet 86812, MedGen C1836373, MONDO:0012248, OMIM 609308.
Walker-Warburg congenital muscular dystrophy. Also called: Muscular dystrophy-dystroglycanopathy, type A; Walker-Warburg syndrome. Identifiers: Orphanet 899, MedGen C0265221, MONDO:0000171.

Allele frequency attached by ClinVar (database versions not stated): gnomAD exomes 0.00004 and 0.00014; gnomAD 0.00005; ExAC 0.00004; TOPMed 0.00004.
gnomAD v4.1: 209 of 1,614,004 alleles (0.013%); highest among the groups gnomAD compares: Non-Finnish European, 0.017%; no homozygotes.

Submissions (3):

Ambry Genetics
Classification: Uncertain significance for Inborn genetic diseases. Last evaluated: 2024-09-20. Review status: criteria provided, single submitter. Criteria: Ambry Variant Classification Scheme 2023. Collection method: clinical testing. Allele origin: germline.

Labcorp Genetics (formerly Invitae), Labcorp
Classification: Uncertain significance for Muscular dystrophy-dystroglycanopathy (congenital with impaired intellectual development), type B, 1; Walker-Warburg congenital muscular dystrophy; Autosomal recessive limb-girdle muscular dystrophy type 2K. Last evaluated: 2022-08-10. Review status: criteria provided, single submitter. Criteria: Invitae Variant Classification Sherloc (09022015). Collection method: clinical testing. Allele origin: germline.
Comment: This sequence change replaces isoleucine, which is neutral and non-polar, with threonine, which is neutral and polar, at codon 142 of the POMT1 protein (p.Ile142Thr). This variant is present in population databases (rs746950128, gnomAD 0.008%). This variant has not been reported in the literature in individuals affected with POMT1-related conditions. ClinVar contains an entry for this variant (Variation ID: 597946). Algorithms developed to predict the effect of missense changes on protein structure and function are either unavailable or do not agree on the potential impact of this missense change (SIFT: "Deleterious"; PolyPhen-2: "Benign"; Align-GVGD: "Class C35"). In summary, the available evidence is currently insufficient to determine the role of this variant in disease. Therefore, it has been classified as a Variant of Uncertain Significance.

Eurofins Ntd Llc (ga)
Classification: Uncertain significance. Last evaluated: 2018-07-11. Review status: criteria provided, single submitter. Criteria: EGL ClinVar v180209 classification definitions. Collection method: clinical testing. Allele origin: germline. Observed: 1 variant allele, 1 heterozygote.

NM_001077365.2(POMT1):c.425T>C (p.Ile142Thr)

Gene: POMT1 (protein O-mannosyltransferase 1; plus strand). Cytogenetic location: 9q34.13.
Variant type: single nucleotide variant.
Coding change: c.425T>C on transcript NM_001077365.2 (MANE Select); coding-DNA position 425, T replaced by C.
Protein change: p.Ile142Thr; replaces isoleucine 142 with threonine.
Molecular consequence: missense variant. On other transcripts: non-coding transcript variant (9), intron variant (2).
Genome position (GRCh38, 1-based): chr9:131,507,512, T>C. VCF-style: chr9-131507512-T-C. GRCh37 (hg19) VCF-style: chr9-134382899-T-C.
Other names: c.263T>C, p.Ile88Thr (NM_001077366.2, NM_001353194.2, NM_001353197.2 and 3 more transcripts); c.425T>C, p.Ile142Thr (NM_001136113.2, NM_001353193.2, NM_001374690.1 and 1 more transcripts); c.74T>C, p.Ile25Thr (NM_001136114.2, NM_001353195.2, NM_001353199.2 and 2 more transcripts); c.335T>C, p.Ile112Thr (NM_001353196.2); c.-29-1399T>C (NM_001374695.1); c.-30+1059T>C (NM_001353200.2); c.425T>C (NM_007171.3); short protein forms I142T, I112T, I88T, I25T.
Identifiers: ClinVar variation 597946 (VCV000597946.8), dbSNP rs746950128, ClinGen allele CA5293258.